The following is an entry in ClinVar:

ClinVar aggregate classification (germline): Conflicting classifications of pathogenicity. Review status: criteria provided, conflicting classifications (1 of 4 stars). 5 submissions from 4 submitters: Uncertain significance (2); Likely benign (3). Last evaluated 2025-09-14.

Conditions:
Noonan syndrome 5 (NS5). Also called: RAF1-Related Noonan Syndrome. Identifiers: Orphanet 648, MedGen C1969057, MONDO:0012690, OMIM 611553. Disease mechanism: gain of function.
RASopathy. Also called: Noonan spectrum disorder; rasopathies. Identifiers: Orphanet 536391, MedGen C5555857, MONDO:0021060.
LEOPARD syndrome 2 (LPRD2). Also called: RAF1-Related LEOPARD Syndrome. Identifiers: Orphanet 500, MedGen C1969056, MONDO:0012691, OMIM 611554.

Allele frequency attached by ClinVar (database versions not stated): gnomAD exomes below 0.00001; ExAC 0.00001; gnomAD 0.00003.

Submissions (5):

Labcorp Genetics (formerly Invitae), Labcorp
Classification: Likely benign for RASopathy. Last evaluated: 2025-09-14. Review status: criteria provided, single submitter. Criteria: Invitae Variant Classification Sherloc (09022015). Collection method: clinical testing. Allele origin: germline.

Women's Health and Genetics/Laboratory Corporation of America, LabCorp
Classification: Likely benign. Last evaluated: 2020-10-31. Review status: criteria provided, single submitter. Criteria: LabCorp Variant Classification Summary - May 2015. Collection method: clinical testing. Allele origin: germline.

Illumina Laboratory Services, Illumina
Classification: Uncertain significance for Noonan syndrome 5. Last evaluated: 2017-04-27. Review status: criteria provided, single submitter. Criteria: ICSL Variant Classification Criteria 13 December 2019. Collection method: clinical testing. Allele origin: germline.

Illumina Laboratory Services, Illumina
Classification: Uncertain significance for LEOPARD syndrome 2. Last evaluated: 2017-04-27. Review status: criteria provided, single submitter. Criteria: ICSL Variant Classification Criteria 13 December 2019. Collection method: clinical testing. Allele origin: germline.

GeneDx
Classification: Likely benign. Last evaluated: 2017-04-04. Review status: criteria provided, single submitter. Criteria: GeneDx Variant Classification (06012015). Collection method: clinical testing. Allele origin: germline. Affected: yes.
Comment: This variant is considered likely benign or benign based on one or more of the following criteria: it is a conservative change, it occurs at a poorly conserved position in the protein, it is predicted to be benign by multiple in silico algorithms, and/or has population frequency not consistent with disease.

NM_002880.4(RAF1):c.600T>C (p.Thr200=)

Gene: RAF1 (Raf-1 proto-oncogene, serine/threonine kinase; minus strand). Cytogenetic location: 3p25.2.
Variant type: single nucleotide variant.
Coding change: c.600T>C on transcript NM_002880.4 (MANE Select); coding-DNA position 600, T replaced by C.
Protein change: p.Thr200=; no amino-acid change (threonine 200 retained).
Molecular consequence: synonymous variant. On other transcripts: non-coding transcript variant (3), intron variant (2).
Genome position (GRCh38, 1-based): chr3:12,606,281, A>G on the plus strand (T>C on the coding strand, the complement: RAF1 is on the minus strand). VCF-style: chr3-12606281-A-G. GRCh37 (hg19) VCF-style: chr3-12647780-A-G.
Other names: c.600T>C, p.Thr200= (NM_001354689.3, NM_001354690.3); c.357T>C, p.Thr119= (NM_001354691.3, NM_001354692.3, NM_001354694.3); c.339-1992T>C (NM_001354695.3); c.582-1992T>C (NM_001354693.3).
Identifiers: ClinVar variation 508664 (VCV000508664.14), dbSNP rs779808613, ClinGen allele CA2259727.